The following is an entry in ClinVar:

ClinVar aggregate classification (germline): Uncertain significance. Review status: criteria provided, multiple submitters, no conflicts (2 of 4 stars). 2 submissions from 2 submitters: Uncertain significance (2). Last evaluated 2025-02-27.

Conditions:
Charcot-Marie-Tooth disease type 2. Also called: Charcot-Marie-Tooth type 2. Identifiers: Orphanet 64746, MedGen C0270914, MONDO:0018993.
Cardiovascular phenotype. Identifiers: MedGen CN230736.

Allele frequency attached by ClinVar (database versions not stated): gnomAD exomes below 0.00001.
gnomAD v4.1: 1 of 1,602,578 alleles (0.000062%); highest among the groups gnomAD compares: Non-Finnish European, 0.000085%; no homozygotes.

Submissions (2):

Ambry Genetics
Classification: Uncertain significance for Cardiovascular phenotype. Last evaluated: 2025-02-27. Review status: criteria provided, single submitter. Criteria: Ambry Variant Classification Scheme 2023. Collection method: clinical testing. Allele origin: germline.
Comment: The p.K450N variant (also known as c.1350G>C), located in coding exon 7 of the LMNA gene, results from a G to C substitution at nucleotide position 1350. The lysine at codon 450 is replaced by asparagine, an amino acid with similar properties. This amino acid position is highly conserved in available vertebrate species. In addition, the in silico prediction for this alteration is inconclusive. Based on the available evidence, the clinical significance of this variant remains unclear.

Labcorp Genetics (formerly Invitae), Labcorp
Classification: Uncertain significance for Charcot-Marie-Tooth disease type 2. Last evaluated: 2021-12-17. Review status: criteria provided, single submitter. Criteria: Invitae Variant Classification Sherloc (09022015). Collection method: clinical testing. Allele origin: germline.
Comment: Algorithms developed to predict the effect of missense changes on protein structure and function are either unavailable or do not agree on the potential impact of this missense change (SIFT: "Deleterious"; PolyPhen-2: "Benign"; Align-GVGD: "Class C65"). This variant has not been reported in the literature in individuals affected with LMNA-related conditions. This variant is not present in population databases (gnomAD no frequency). This sequence change replaces lysine, which is basic and polar, with asparagine, which is neutral and polar, at codon 450 of the LMNA protein (p.Lys450Asn). In summary, the available evidence is currently insufficient to determine the role of this variant in disease. Therefore, it has been classified as a Variant of Uncertain Significance.

NM_170707.4(LMNA):c.1350G>C (p.Lys450Asn)

Gene: LMNA (lamin A/C; plus strand). Cytogenetic location: 1q22.
Variant type: single nucleotide variant.
Coding change: c.1350G>C on transcript NM_170707.4 (MANE Select); coding-DNA position 1350, G replaced by C.
Protein change: p.Lys450Asn; replaces lysine 450 with asparagine.
Molecular consequence: missense variant.
Genome position (GRCh38, 1-based): chr1:156,136,406, G>C. VCF-style: chr1-156136406-G-C. GRCh37 (hg19) VCF-style: chr1-156106197-G-C.
Other names: c.792G>C, p.Lys264Asn (NM_001406990.1, NM_001406993.1, NM_001406995.1 and 4 more transcripts); c.1350G>C, p.Lys450Asn (NM_001406991.1, NM_001406992.1, NM_001282625.2 and 6 more transcripts); c.726G>C, p.Lys242Asn (NM_001406994.1, NM_001406999.1, NM_001407000.1 and 1 more transcripts); c.1014G>C, p.Lys338Asn (NM_001406998.1, NM_001257374.3, NM_001406989.1); c.1107G>C, p.Lys369Asn (NM_001282624.2, NM_001406986.1, NM_001406987.1); c.1053G>C, p.Lys351Asn (NM_001406988.1); short protein forms K351N, K369N, K242N, K264N, K338N, K450N.
Identifiers: ClinVar variation 1898665 (VCV001898665.6), dbSNP rs2102891265, ClinGen allele CA342822172.
Genomic context (GRCh38, chr1:156,136,406, plus strand): 5'-CTCACAGCACGCACGCACTAGCGGGCGCGTGGCCGTGGAGGAGGTGGATGAGGAGGGCAA[G>C]TTTGTCCGGCTGCGCAACAAGTCCAATGAGGTAGGCTCCTGCTCAGGGTCTAAGGGGATA-3'
Protein context (NP_733821.1, residues 440-460): VAVEEVDEEG[Lys450Asn]FVRLRNKSNE